The following is an entry in ClinVar:

ClinVar aggregate classification (germline): Uncertain significance (1 of 4 stars; one submission).

Conditions:
ASXL3-related disorder. Also called: ASXL3-related condition. Identifiers: MedGen CN381524.

Submission:

PreventionGenetics, part of Exact Sciences
Classification: Uncertain significance for ASXL3-related condition. Last evaluated: 2022-09-07. Review status: criteria provided, single submitter. Criteria: ACMG Guidelines, 2015. Collection method: clinical testing. Allele origin: germline.
Comment: The ASXL3 c.2231C>G variant is predicted to result in the amino acid substitution p.Ser744Cys. To our knowledge, this variant has not been reported in the literature or in a large population database, indicating this variant is rare. At this time, the clinical significance of this variant is uncertain due to the absence of conclusive functional and genetic evidence.

NM_030632.3(ASXL3):c.2231C>G (p.Ser744Cys)

Gene: ASXL3 (ASXL transcriptional regulator 3; plus strand). Cytogenetic location: 18q12.1.
Variant type: single nucleotide variant.
Coding change: c.2231C>G on transcript NM_030632.3 (MANE Select); coding-DNA position 2231, C replaced by G.
Protein change: p.Ser744Cys; replaces serine 744 with cysteine.
Molecular consequence: missense variant.
Genome position (GRCh38, 1-based): chr18:33,739,635, C>G. VCF-style: chr18-33739635-C-G. GRCh37 (hg19) VCF-style: chr18-31319599-C-G.
Other names: short protein forms S744C.
Identifiers: ClinVar variation 2637403 (VCV002637403.1), dbSNP rs908847429, ClinGen allele CA297787403.